The following is an entry in ClinVar:

NM_012335.4(MYO1F):c.1851C>T (p.Arg617=)

Gene: MYO1F (myosin IF; minus strand). Cytogenetic location: 19p13.2.
Variant type: single nucleotide variant.
Coding change: c.1851C>T on transcript NM_012335.4 (MANE Select); coding-DNA position 1851, C replaced by T.
Protein change: p.Arg617=; no amino-acid change (arginine 617 retained).
Molecular consequence: synonymous variant.
Genome position (GRCh38, 1-based): chr19:8,536,546, G>A on the plus strand (C>T on the coding strand, the complement: MYO1F is on the minus strand). VCF-style: chr19-8536546-G-A. GRCh37 (hg19) VCF-style: chr19-8601430-G-A.
Other names: c.1839C>T, p.Arg613= (NM_001348355.2).
Identifiers: ClinVar variation 513079 (VCV000513079.7), dbSNP rs199981303, ClinGen allele CA9159094.

ClinVar aggregate classification (germline): Likely benign. Review status: criteria provided, multiple submitters, no conflicts (2 of 4 stars). 3 submissions from 3 submitters: Likely benign (2). 1 of the submissions does not count toward it. Last evaluated 2018-06-25.

Conditions:
MYO1F-related disorder. Also called: MYO1F-related condition.

Allele frequency attached by ClinVar (database versions not stated): 1000 Genomes Project 0.00060; 1000 Genomes Project 30x 0.00062; ExAC 0.00185; gnomAD 0.00194 and 0.00199; gnomAD exomes 0.00201 and 0.00301; TOPMed 0.00243; ESP Exome Variant Server 0.00300.
gnomAD v4.1: 4,666 of 1,612,224 alleles (0.29%); highest among the groups gnomAD compares: Non-Finnish European, 0.36%; 13 homozygotes.

Submissions (3):

GeneDx
Classification: Likely benign. Last evaluated: 2018-06-25. Review status: criteria provided, single submitter. Criteria: GeneDx Variant Classification Process June 2021. Collection method: clinical testing. Allele origin: germline. Affected: yes.

Breakthrough Genomics
Classification: Likely benign. Review status: criteria provided, single submitter. Criteria: ACMG Guidelines, 2015. Collection method: not provided. Allele origin: germline. Inheritance: Unknown mechanism. Affected: yes.

PreventionGenetics, part of Exact Sciences
Classification: Likely benign for MYO1F-related condition. Last evaluated: 2019-11-27. Review status: no assertion criteria provided. Collection method: clinical testing. Allele origin: germline. Not counted in ClinVar's aggregate classification.
Comment: This variant is classified as likely benign based on ACMG/AMP sequence variant interpretation guidelines (Richards et al. 2015 PMID: 25741868, with internal and published modifications).